The following is an entry in ClinVar:

ClinVar aggregate classification (germline): Uncertain significance. Review status: criteria provided, multiple submitters, no conflicts (2 of 4 stars). 2 submissions from 2 submitters: Uncertain significance (2). Last evaluated 2023-02-16.

Conditions:
Familial cold autoinflammatory syndrome 2 (FCAS2). Identifiers: Orphanet 247868, MedGen C2673198, MONDO:0012724, OMIM 611762.

Allele frequency attached by ClinVar (database versions not stated): TOPMed 0.00001.
gnomAD v4.1: 2 of 1,613,664 alleles (0.00012%); highest among the groups gnomAD compares: South Asian, 0.0011%; no homozygotes.

Submissions (2):

Labcorp Genetics (formerly Invitae), Labcorp
Classification: Uncertain significance for Familial cold autoinflammatory syndrome 2. Last evaluated: 2023-02-16. Review status: criteria provided, single submitter. Criteria: Invitae Variant Classification Sherloc (09022015). Collection method: clinical testing. Allele origin: germline.
Comment: This sequence change replaces alanine, which is neutral and non-polar, with glycine, which is neutral and non-polar, at codon 449 of the NLRP12 protein (p.Ala449Gly). This variant is not present in population databases (gnomAD no frequency). This variant has not been reported in the literature in individuals affected with NLRP12-related conditions. ClinVar contains an entry for this variant (Variation ID: 1175949). Advanced modeling of protein sequence and biophysical properties (such as structural, functional, and spatial information, amino acid conservation, physicochemical variation, residue mobility, and thermodynamic stability) performed at Invitae indicates that this missense variant is not expected to disrupt NLRP12 protein function. In summary, the available evidence is currently insufficient to determine the role of this variant in disease. Therefore, it has been classified as a Variant of Uncertain Significance.

CeGaT Center for Human Genetics Tuebingen
Classification: Uncertain significance. Last evaluated: 2021-03-01. Review status: criteria provided, single submitter. Criteria: CeGaT Center For Human Genetics Tuebingen Variant Classification Criteria Version 2. Collection method: clinical testing. Allele origin: germline. Affected: yes. Observed: 1 variant allele.

NM_144687.4(NLRP12):c.1346C>G (p.Ala449Gly)

Gene: NLRP12 (NLR family pyrin domain containing 12; minus strand). Cytogenetic location: 19q13.42.
Variant type: single nucleotide variant.
Coding change: c.1346C>G on transcript NM_144687.4 (MANE Select); coding-DNA position 1346, C replaced by G.
Protein change: p.Ala449Gly; replaces alanine 449 with glycine.
Molecular consequence: missense variant.
Genome position (GRCh38, 1-based): chr19:53,810,313, G>C on the plus strand (C>G on the coding strand, the complement: NLRP12 is on the minus strand). VCF-style: chr19-53810313-G-C. GRCh37 (hg19) VCF-style: chr19-54313567-G-C.
Other names: c.1346C>G, p.Ala449Gly (NM_001277126.2, NM_001277129.1); short protein forms A449G.
Identifiers: ClinVar variation 1175949 (VCV001175949.38), dbSNP rs1016647701, ClinGen allele CA310069019.